The following is an entry in ClinVar:

NM_001377265.1(MAPT):c.686C>G (p.Pro229Arg)

Gene: MAPT (microtubule associated protein tau). Cytogenetic location: 17q21.31.
Variant type: single nucleotide variant.
Coding change: c.686C>G on transcript NM_001377265.1 (MANE Select); coding-DNA position 686, C replaced by G.
Protein change: p.Pro229Arg; replaces proline 229 with arginine.
Molecular consequence: missense variant. On other transcripts: intron variant (8).
Genome position (GRCh38, 1-based): chr17:45,983,265, C>G. VCF-style: chr17-45983265-C-G. GRCh37 (hg19) VCF-style: chr17-44060631-C-G.
Other names: c.461C>G, p.Pro154Arg (NM_001123066.4, NM_016835.5); c.686C>G, p.Pro229Arg (NM_001377266.1); c.200-3775C>G (NM_001377268.1, NM_016834.5, NM_016841.5); c.374-3775C>G (NM_005910.6, NM_001203252.2); c.287-3775C>G (NM_001123067.4, NM_001203251.2, NM_001377267.1); short protein forms P154R, P229R.
Identifiers: ClinVar variation 4874943 (VCV004874943.2).

ClinVar aggregate classification (germline): Uncertain significance (1 of 4 stars; one submission).

Submission:

CeGaT Center for Human Genetics Tuebingen
Classification: Uncertain significance. Last evaluated: 2026-05-01. Review status: criteria provided, single submitter. Criteria: CeGaT Center For Human Genetics Tuebingen Variant Classification Criteria Version 2. Collection method: clinical testing. Allele origin: germline. Affected: yes. Observed: 1 variant allele.
Comment: MAPT: PM2, BP4